The following is an entry in ClinVar:

NM_000069.3(CACNA1S):c.1842A>C (p.Glu614Asp)

Gene: CACNA1S (calcium voltage-gated channel subunit alpha1 S; minus strand). Cytogenetic location: 1q32.1.
Variant type: single nucleotide variant.
Coding change: c.1842A>C on transcript NM_000069.3 (MANE Select); coding-DNA position 1842, A replaced by C.
Protein change: p.Glu614Asp; replaces glutamic acid 614 with aspartic acid.
Molecular consequence: missense variant.
Genome position (GRCh38, 1-based): chr1:201,075,601, T>G on the plus strand (A>C on the coding strand, the complement: CACNA1S is on the minus strand). VCF-style: chr1-201075601-T-G. GRCh37 (hg19) VCF-style: chr1-201044729-T-G.
Other names: short protein forms E614D.
Identifiers: ClinVar variation 2076765 (VCV002076765.4), dbSNP rs2464559600, ClinGen allele CA344117471.

ClinVar aggregate classification (germline): Uncertain significance (1 of 4 stars; one submission).

Conditions:
Malignant hyperthermia, susceptibility to, 5 (MHS5). Also called: CACNA1S-Related Malignant Hyperthermia Susceptibility. Identifiers: Orphanet 423, MedGen C1866077, MONDO:0011163, OMIM 601887.
Hypokalemic periodic paralysis, type 1. Also called: Hypokalemic Periodic Paralysis Type 1 (AD); HypoPP. Identifiers: Orphanet 681, MedGen C3714580, MONDO:0042979, OMIM 170400.

Submission:

Labcorp Genetics (formerly Invitae), Labcorp
Classification: Uncertain significance for Hypokalemic periodic paralysis, type 1; Malignant hyperthermia, susceptibility to, 5. Last evaluated: 2022-03-26. Review status: criteria provided, single submitter. Criteria: Invitae Variant Classification Sherloc (09022015). Collection method: clinical testing. Allele origin: germline.
Comment: This variant has not been reported in the literature in individuals affected with CACNA1S-related conditions. In summary, the available evidence is currently insufficient to determine the role of this variant in disease. Therefore, it has been classified as a Variant of Uncertain Significance. Advanced modeling of protein sequence and biophysical properties (such as structural, functional, and spatial information, amino acid conservation, physicochemical variation, residue mobility, and thermodynamic stability) performed at Invitae indicates that this missense variant is not expected to disrupt CACNA1S protein function. This variant is not present in population databases (gnomAD no frequency). This sequence change replaces glutamic acid, which is acidic and polar, with aspartic acid, which is acidic and polar, at codon 614 of the CACNA1S protein (p.Glu614Asp).